The following is an entry in ClinVar:

NM_000021.4(PSEN1):c.1051C>T (p.His351Tyr)

Gene: PSEN1 (presenilin 1; plus strand). Cytogenetic location: 14q24.2.
Variant type: single nucleotide variant.
Coding change: c.1051C>T on transcript NM_000021.4 (MANE Select); coding-DNA position 1051, C replaced by T.
Protein change: p.His351Tyr; replaces histidine 351 with tyrosine.
Molecular consequence: missense variant.
Genome position (GRCh38, 1-based): chr14:73,211,864, C>T. VCF-style: chr14-73211864-C-T. GRCh37 (hg19) VCF-style: chr14-73678572-C-T.
Other names: c.1039C>T, p.His347Tyr (NM_007318.3); short protein forms H347Y, H351Y.
Identifiers: ClinVar variation 3761050 (VCV003761050.2).
Genomic context (GRCh38, chr14:73,211,864, plus strand): 5'-AATGATGATGGCGGGTTCAGTGAGGAATGGGAAGCCCAGAGGGACAGTCATCTAGGGCCT[C>T]ATCGCTCTACACCTGAGTCACGAGCTGCTGTCCAGGAACTTTCCAGCAGTATCCTCGCTG-3'
Protein context (NP_000012.1, residues 341-361): EAQRDSHLGP[His351Tyr]RSTPESRAAV

ClinVar aggregate classification (germline): Uncertain significance (1 of 4 stars; one submission).

Conditions:
Pick disease. Also called: PICK DISEASE OF BRAIN; DEMENTIA WITH LOBAR ATROPHY AND NEURONAL CYTOPLASMIC INCLUSIONS; LOBAR ATROPHY OF BRAIN; Pick's disease; Pick Disease of the Brain. Identifiers: Orphanet 282, MedGen C0236642, MONDO:0008243, OMIM 172700.
Alzheimer disease 3 (AD3). Also called: ALZHEIMER DISEASE, FAMILIAL, 3. Identifiers: Orphanet 1020, MedGen C1843013, MONDO:0011913, OMIM 607822.
Frontotemporal dementia (FTD1). Also called: Frontotemporal lobe dementia (FLDEM); FRONTOTEMPORAL LOBAR DEGENERATION WITH TAU INCLUSIONS; FTLD WITH TAU INCLUSIONS; Dementia, frontotemporal, with or without parkinsonism; FRONTOTEMPORAL DEMENTIA WITH PARKINSONISM; FRONTOTEMPORAL LOBE DEMENTIA. Identifiers: Orphanet 282, MedGen C0338451, MONDO:0017276, OMIM 600274, HP:0002145.
Acne inversa, familial, 3 (ACNINV3). Identifiers: MedGen C3151038, MONDO:0013398, OMIM 613737.

gnomAD v4.1: 2 of 1,614,058 alleles (0.00012%); highest among the groups gnomAD compares: South Asian, 0.0011%; no homozygotes.

Submission:

Labcorp Genetics (formerly Invitae), Labcorp
Classification: Uncertain significance for Alzheimer disease 3; Pick disease; Acne inversa, familial, 3; Frontotemporal dementia. Last evaluated: 2024-07-01. Review status: criteria provided, single submitter. Criteria: Invitae Variant Classification Sherloc (09022015). Collection method: clinical testing. Allele origin: germline.
Comment: This sequence change replaces histidine, which is basic and polar, with tyrosine, which is neutral and polar, at codon 351 of the PSEN1 protein (p.His351Tyr). This variant is present in population databases (rs750080931, gnomAD 0.003%). This variant has not been reported in the literature in individuals affected with PSEN1-related conditions. Advanced modeling of protein sequence and biophysical properties (such as structural, functional, and spatial information, amino acid conservation, physicochemical variation, residue mobility, and thermodynamic stability) performed at Invitae indicates that this missense variant is not expected to disrupt PSEN1 protein function with a negative predictive value of 95%. In summary, the available evidence is currently insufficient to determine the role of this variant in disease. Therefore, it has been classified as a Variant of Uncertain Significance.